The following is an entry in ClinVar:

NM_001142800.2(EYS):c.3970del (p.Leu1324fs)

Gene: EYS (EGF-like photoreceptor maintenance factor; minus strand). Cytogenetic location: 6q12.
Variant type: Deletion.
Coding change: c.3970del on transcript NM_001142800.2 (MANE Select); coding-DNA position 3970, one base deleted (C; older notation c.3970delC).
Protein change: p.Leu1324fs; shifts the reading frame from leucine 1324.
Molecular consequence: frameshift variant.
Genome position (GRCh38, 1-based): chr6:64,591,897, G deleted on the plus strand (C on the coding strand, the reverse complement: EYS is on the minus strand). VCF-style (leftmost placement, unchanged base first): chr6-64591896-AG-A. GRCh37 (hg19) VCF-style: chr6-65301789-AG-A.
Other names: c.3970del, p.Leu1324fs (NM_001292009.2); c.3970delC (NM_001142800.1); short protein forms L1324fs.
Identifiers: ClinVar variation 846934 (VCV000846934.10), dbSNP rs1431710414, ClinGen allele CA568119139.

ClinVar aggregate classification (germline): Pathogenic/Likely pathogenic. Review status: criteria provided, multiple submitters, no conflicts (2 of 4 stars). 5 submissions from 5 submitters: Pathogenic (1); Likely pathogenic (4). Last evaluated 2025-12-03.

Conditions:
Retinitis pigmentosa 25 (RP25). Identifiers: Orphanet 791, MedGen C1864446, MONDO:0011272, OMIM 602772.
EYS-related disorder. Also called: EYS-related condition.

Allele frequency attached by ClinVar (database versions not stated): gnomAD exomes 0.00001; TOPMed 0.00001.

Submissions (5):

Labcorp Genetics (formerly Invitae), Labcorp
Classification: Pathogenic. Last evaluated: 2025-12-03. Review status: criteria provided, single submitter. Criteria: Invitae Variant Classification Sherloc (09022015). Collection method: clinical testing. Allele origin: germline.
Comment: This sequence change creates a premature translational stop signal (p.Leu1324Serfs*4) in the EYS gene. It is expected to result in an absent or disrupted protein product. Loss-of-function variants in EYS are known to be pathogenic (PMID: 18836446, 20333770). This variant is present in population databases (no rsID available, gnomAD 0.002%). This variant has not been reported in the literature in individuals affected with EYS-related conditions. ClinVar contains an entry for this variant (Variation ID: 846934). For these reasons, this variant has been classified as Pathogenic.

PreventionGenetics, part of Exact Sciences
Classification: Likely pathogenic for EYS-related condition. Last evaluated: 2025-05-11. Review status: criteria provided, single submitter. Criteria: ACMG Guidelines, 2015. Collection method: clinical testing. Allele origin: germline.
Comment: The EYS c.3970delC variant is predicted to result in a frameshift and premature protein termination (p.Leu1324Serfs*4). To our knowledge, this variant has not been reported in the literature in individuals with EYS-related conditions. This variant has been reported in 1 heterozygous individual within the ‘other’ subpopulation in gnomAD. Frameshift variants in EYS are expected to be pathogenic. This variant is interpreted as likely pathogenic.

Natera, Inc.
Classification: Likely pathogenic for Retinitis pigmentosa type 25. Last evaluated: 2024-08-20. Review status: criteria provided, single submitter. Criteria: Natera Variant Classification Schema (03/2026). Collection method: clinical testing. Allele origin: germline.
Comment: The c.3970delC variant in EYS is a frameshift variant predicted to shift the reading frame beginning at codon 1324 and leads to a stop codon 4 codons downstream. This variant is expected to result in nonsense mediated decay, truncation, or a dysfunctional protein product. This variant is rare in the general population with a frequency below the threshold expected for the associated phenotype(s). Given the available evidence, this variant is classified as Likely Pathogenic.

Baylor Genetics
Classification: Likely pathogenic for Retinitis pigmentosa 25. Last evaluated: 2023-12-06. Review status: criteria provided, single submitter. Criteria: ACMG Guidelines, 2015. Collection method: clinical testing. Allele origin: unknown.

Fulgent Genetics
Classification: Likely pathogenic for Retinitis pigmentosa 25. Last evaluated: 2022-02-04. Review status: criteria provided, single submitter. Criteria: ACMG Guidelines, 2015. Collection method: clinical testing. Allele origin: unknown.

Literature cited by the submitters: PubMed 18836446 (cited by Labcorp Genetics (formerly Invitae), Labcorp); PubMed 20333770 (cited by Labcorp Genetics (formerly Invitae), Labcorp).